The following is an entry in ClinVar:

NM_001204.7(BMPR2):c.2158C>T (p.Gln720Ter)

Gene: BMPR2 (bone morphogenetic protein receptor type 2; plus strand). Cytogenetic location: 2q33.2.
Variant type: single nucleotide variant.
Coding change: c.2158C>T on transcript NM_001204.7 (MANE Select); coding-DNA position 2158, C replaced by T.
Protein change: p.Gln720Ter; replaces glutamine 720 with a stop codon.
Molecular consequence: nonsense.
Genome position (GRCh38, 1-based): chr2:202,555,823, C>T. VCF-style: chr2-202555823-C-T. GRCh37 (hg19) VCF-style: chr2-203420546-C-T.
Other names: short protein forms Q720*.
Identifiers: ClinVar variation 812840 (VCV000812840.6), dbSNP rs1574506914, ClinGen allele CA350347639.
Genomic context (GRCh38, chr2:202,555,823, plus strand): 5'-AGCAGTACTAGTTCTAGCTTGCTTTACCCACTCATAAAACTTGCAGTAGAAGCAACTGGA[C>T]AGCAGGACTTCACACAGACTGCAAATGGCCAAGCATGTTTGATTCCTGATGTTCTGCCTA-3'

ClinVar aggregate classification (germline): Pathogenic. Review status: criteria provided, single submitter (1 of 4 stars). 2 submissions from 2 submitters: Pathogenic (1). 1 of the submissions does not count toward it. Last evaluated 2022-09-07.

Conditions:
Pulmonary arterial hypertension. Identifiers: Orphanet 182090, MedGen C2973725, MeSH D000081029, MONDO:0015924, HP:0002092.
Primary pulmonary hypertension. Also called: Idiopathic pulmonary hypertension. Identifiers: MedGen C0152171.

Submissions (2):

Labcorp Genetics (formerly Invitae), Labcorp
Classification: Pathogenic for Primary pulmonary hypertension. Last evaluated: 2022-09-07. Review status: criteria provided, single submitter. Criteria: Invitae Variant Classification Sherloc (09022015). Collection method: clinical testing. Allele origin: germline.
Comment: For these reasons, this variant has been classified as Pathogenic. ClinVar contains an entry for this variant (Variation ID: 812840). This premature translational stop signal has been observed in individual(s) with BMPR2-related conditions (PMID: 29650961, 32581362). This variant is not present in population databases (gnomAD no frequency). This sequence change creates a premature translational stop signal (p.Gln720*) in the BMPR2 gene. It is expected to result in an absent or disrupted protein product. Loss-of-function variants in BMPR2 are known to be pathogenic (PMID: 16429395).

NIHR Bioresource Rare Diseases, University of Cambridge
Classification: Pathogenic for Pulmonary arterial hypertension. Review status: no assertion criteria provided. Collection method: research. Allele origin: unknown. Affected: yes. Observed: 1 variant allele. Not counted in ClinVar's aggregate classification.

Literature cited by the submitters: PubMed 29650961 (cited by Labcorp Genetics (formerly Invitae), Labcorp); PubMed 32581362 (cited by Labcorp Genetics (formerly Invitae), Labcorp and NIHR Bioresource Rare Diseases, University of Cambridge); PubMed 16429395 (cited by Labcorp Genetics (formerly Invitae), Labcorp).